The following is an entry in ClinVar:

NM_182493.3(MYLK3):c.1415C>A (p.Ala472Glu)

Gene: MYLK3 (myosin light chain kinase 3; minus strand). Cytogenetic location: 16q11.2.
Variant type: single nucleotide variant.
Coding change: c.1415C>A on transcript NM_182493.3 (MANE Select); coding-DNA position 1415, C replaced by A.
Protein change: p.Ala472Glu; replaces alanine 472 with glutamic acid.
Molecular consequence: missense variant.
Genome position (GRCh38, 1-based): chr16:46,732,255, G>T on the plus strand (C>A on the coding strand, the complement: MYLK3 is on the minus strand). VCF-style: chr16-46732255-G-T. GRCh37 (hg19) VCF-style: chr16-46766167-G-T.
Other names: c.392C>A, p.Ala131Glu (NM_001308301.1); short protein forms A131E, A472E.
Identifiers: ClinVar variation 3646726 (VCV003646726.2).

ClinVar aggregate classification (germline): Uncertain significance (1 of 4 stars; one submission).

gnomAD v4.1: 2 of 1,602,444 alleles (0.00012%); highest among the groups gnomAD compares: Non-Finnish European, 0.00017%; no homozygotes.

Submission:

Labcorp Genetics (formerly Invitae), Labcorp
Classification: Uncertain significance. Last evaluated: 2024-03-19. Review status: criteria provided, single submitter. Criteria: Invitae Variant Classification Sherloc (09022015). Collection method: clinical testing. Allele origin: germline.
Comment: This sequence change replaces alanine, which is neutral and non-polar, with glutamic acid, which is acidic and polar, at codon 472 of the MYLK3 protein (p.Ala472Glu). This variant is not present in population databases (gnomAD no frequency). This variant has not been reported in the literature in individuals affected with MYLK3-related conditions. Algorithms developed to predict the effect of missense changes on protein structure and function output the following: SIFT: "Not Available"; PolyPhen-2: "Benign"; Align-GVGD: "Not Available". The glutamic acid amino acid residue is found in multiple mammalian species, which suggests that this missense change does not adversely affect protein function. In summary, the available evidence is currently insufficient to determine the role of this variant in disease. Therefore, it has been classified as a Variant of Uncertain Significance.